The following is an entry in ClinVar:

ClinVar aggregate classification (germline): Pathogenic (1 of 4 stars; one submission).

Conditions:
Focal segmental glomerulosclerosis 7 (FSGS7). Identifiers: Orphanet 656, MedGen C4014925, MONDO:0014451, OMIM 616002.

Submission:

Victorian Clinical Genetics Services, Murdoch Childrens Research Institute
Classification: Pathogenic for Focal segmental glomerulosclerosis 7. Last evaluated: 2025-05-22. Review status: criteria provided, single submitter. Criteria: ACMG Guidelines, 2015. Collection method: clinical testing. Allele origin: germline. Affected: yes.
Comment: This variant is classified as Pathogenic. Evidence in support of pathogenic classification: Variant is predicted to cause nonsense-mediated decay (NMD) and loss of protein (premature termination codon is located at least 54 nucleotides upstream of the final exon-exon junction); Variant is absent from gnomAD (v2, v3 and v4); Other NMD predicted variant(s) comparable to the one identified in this case have very strong previous evidence for pathogenicity (DECIPHER). Additional information: This variant is heterozygous; This gene is associated with autosomal dominant disease; This variant has no previous evidence of pathogenicity; No published segregation evidence has been identified for this variant; No published functional evidence has been identified for this variant; Loss of function is a known mechanism of disease in this gene and is associated with focal segmental glomerulosclerosis, 7 (MIM#616002) and papillorenal syndrome (MIM#120330); Variants in this gene are known to have variable expressivity. Wide phenotypic variability has been reported (PMID:34696790, 20301624); Inheritance information for this variant is not currently available in this individual.

Literature cited by the submitters: PubMed 20301624; PubMed 34696790.

NM_000278.5(PAX2):c.812del (p.Pro271fs)

Gene: PAX2 (paired box 2; plus strand). Cytogenetic location: 10q24.31.
Variant type: Deletion.
Coding change: c.812del on transcript NM_000278.5 (MANE Select); coding-DNA position 812, one base deleted (C; older notation c.812delC).
Protein change: p.Pro271fs; shifts the reading frame from proline 271.
Molecular consequence: frameshift variant.
Genome position (GRCh38, 1-based): chr10:100,809,129, C deleted; the last of 3 consecutive C bases (chr10:100,809,127-100,809,129); deleting any one gives the same sequence. VCF-style (leftmost placement, unchanged base first): chr10-100809126-TC-T. GRCh37 (hg19) VCF-style: chr10-102568883-TC-T.
Other names: c.905del, p.Pro302fs (NM_001304569.2); c.881del, p.Pro294fs (NM_003987.5, NM_003990.5); c.812del, p.Pro271fs (NM_003988.5, NM_003989.5); short protein forms P271fs, P294fs, P302fs.
Identifiers: ClinVar variation 4531442 (VCV004531442.1).